The following is an entry in ClinVar:

NM_004859.4(CLTC):c.3333T>A (p.Leu1111=)

Gene: CLTC (clathrin heavy chain; plus strand). Cytogenetic location: 17q23.1.
Variant type: single nucleotide variant.
Coding change: c.3333T>A on transcript NM_004859.4 (MANE Select); coding-DNA position 3333, T replaced by A.
Protein change: p.Leu1111=; no amino-acid change (leucine 1111 retained).
Molecular consequence: synonymous variant.
Genome position (GRCh38, 1-based): chr17:59,681,730, T>A. VCF-style: chr17-59681730-T-A. GRCh37 (hg19) VCF-style: chr17-57759091-T-A.
Other names: c.3345T>A, p.Leu1115= (NM_001288653.2); c.3345T>A (NM_001288653.1).
Identifiers: ClinVar variation 1603966 (VCV001603966.25), dbSNP rs145280858, ClinGen allele CA8681570.

ClinVar aggregate classification (germline): Likely benign. Review status: criteria provided, multiple submitters, no conflicts (2 of 4 stars). 3 submissions from 3 submitters: Likely benign (2). 1 of the submissions does not count toward it. Last evaluated 2026-01-12.

Conditions:
CLTC-related disorder. Also called: CLTC-related condition.

Allele frequency attached by ClinVar (database versions not stated): gnomAD exomes 0.00003 and 0.00005; ExAC 0.00006; ESP Exome Variant Server 0.00015; gnomAD 0.00023; TOPMed 0.00028.

Submissions (3):

Labcorp Genetics (formerly Invitae), Labcorp
Classification: Likely benign. Last evaluated: 2026-01-12. Review status: criteria provided, single submitter. Criteria: Invitae Variant Classification Sherloc (09022015). Collection method: clinical testing. Allele origin: germline.

CeGaT Center for Human Genetics Tuebingen
Classification: Likely benign. Last evaluated: 2024-08-01. Review status: criteria provided, single submitter. Criteria: CeGaT Center For Human Genetics Tuebingen Variant Classification Criteria Version 2. Collection method: clinical testing. Allele origin: germline. Affected: yes. Observed: 1 variant allele.
Comment: CLTC: BP4, BP7

PreventionGenetics, part of Exact Sciences
Classification: Likely benign for CLTC-related condition. Last evaluated: 2019-10-28. Review status: no assertion criteria provided. Collection method: clinical testing. Allele origin: germline. Not counted in ClinVar's aggregate classification.
Comment: This variant is classified as likely benign based on ACMG/AMP sequence variant interpretation guidelines (Richards et al. 2015 PMID: 25741868, with internal and published modifications).